The following is an entry in ClinVar:

NM_033026.6(PCLO):c.11084C>T (p.Ala3695Val)

Gene: PCLO (piccolo presynaptic cytomatrix protein; minus strand). Cytogenetic location: 7q21.11.
Variant type: single nucleotide variant.
Coding change: c.11084C>T on transcript NM_033026.6 (MANE Select); coding-DNA position 11084, C replaced by T.
Protein change: p.Ala3695Val; replaces alanine 3695 with valine.
Molecular consequence: missense variant.
Genome position (GRCh38, 1-based): chr7:82,949,504, G>A on the plus strand (C>T on the coding strand, the complement: PCLO is on the minus strand). VCF-style: chr7-82949504-G-A. GRCh37 (hg19) VCF-style: chr7-82578820-G-A.
Other names: c.11084C>T, p.Ala3695Val (NM_014510.3); c.11084C>T (NM_033026.5); short protein forms A3695V.
Identifiers: ClinVar variation 1402701 (VCV001402701.7), dbSNP rs774055010, ClinGen allele CA4319630.

ClinVar aggregate classification (germline): Uncertain significance. Review status: criteria provided, multiple submitters, no conflicts (2 of 4 stars). 2 submissions from 2 submitters: Uncertain significance (2). Last evaluated 2025-04-04.

Conditions:
Inborn genetic diseases. Identifiers: MedGen C0950123, MeSH D030342.

Allele frequency attached by ClinVar (database versions not stated): ExAC 0.00001; gnomAD 0.00001; gnomAD exomes 0.00002; TOPMed 0.00002.
gnomAD v4.1: 8 of 1,609,382 alleles (0.0005%); highest among the groups gnomAD compares: Admixed American, 0.012%; no homozygotes.

Submissions (2):

Ambry Genetics
Classification: Uncertain significance for Inborn genetic diseases. Last evaluated: 2025-04-04. Review status: criteria provided, single submitter. Criteria: Ambry Variant Classification Scheme 2023. Collection method: clinical testing. Allele origin: germline.

Labcorp Genetics (formerly Invitae), Labcorp
Classification: Uncertain significance. Last evaluated: 2022-09-23. Review status: criteria provided, single submitter. Criteria: Invitae Variant Classification Sherloc (09022015). Collection method: clinical testing. Allele origin: germline.
Comment: This sequence change replaces alanine, which is neutral and non-polar, with valine, which is neutral and non-polar, at codon 3695 of the PCLO protein (p.Ala3695Val). This variant is present in population databases (rs774055010, gnomAD 0.006%). This variant has not been reported in the literature in individuals affected with PCLO-related conditions. ClinVar contains an entry for this variant (Variation ID: 1402701). Algorithms developed to predict the effect of missense changes on protein structure and function output the following: SIFT: "Deleterious"; PolyPhen-2: "Not Available"; Align-GVGD: "Class C0". The valine amino acid residue is found in multiple mammalian species, which suggests that this missense change does not adversely affect protein function. In summary, the available evidence is currently insufficient to determine the role of this variant in disease. Therefore, it has been classified as a Variant of Uncertain Significance.